The following is an entry in ClinVar:

NM_006904.7(PRKDC):c.5302C>G (p.Arg1768Gly)

Gene: PRKDC (protein kinase, DNA-activated, catalytic subunit; minus strand). Cytogenetic location: 8q11.21.
Variant type: single nucleotide variant.
Coding change: c.5302C>G on transcript NM_006904.7 (MANE Select); coding-DNA position 5302, C replaced by G.
Protein change: p.Arg1768Gly; replaces arginine 1768 with glycine.
Molecular consequence: missense variant.
Genome position (GRCh38, 1-based): chr8:47,877,785, G>C on the plus strand (C>G on the coding strand, the complement: PRKDC is on the minus strand). VCF-style: chr8-47877785-G-C. GRCh37 (hg19) VCF-style: chr8-48790346-G-C.
Other names: c.5302C>G, p.Arg1768Gly (NM_001081640.2); short protein forms R1768G.
Identifiers: ClinVar variation 1516597 (VCV001516597.6), dbSNP rs373058432, ClinGen allele CA371137744.
Genomic context (GRCh38, chr8:47,877,785, plus strand): 5'-TTCTGGCAATCCTCCTGAAACTGGATTGAAATAATTCTTCCATGACATGCTGCTGTTCCC[G>C]ACAAAGAACTTCTGTCATCAATTCCAACAACATAGGGCTTTGAGATAATTCCAATGCATC-3'
Protein context (NP_008835.5, residues 1758-1778): LLELMTEVLC[Arg1768Gly]EQQHVMEELF

ClinVar aggregate classification (germline): Uncertain significance (1 of 4 stars; one submission).

Conditions:
Severe combined immunodeficiency due to DNA-PKcs deficiency. Also called: IMMUNODEFICIENCY 26 WITH NEUROLOGIC ABNORMALITIES; Immunodeficiency 26 with or without neurologic abnormalities. Identifiers: Orphanet 317425, MedGen C4014833, MONDO:0014423, OMIM 615966.

gnomAD v4.1: 2 of 1,598,428 alleles (0.00013%); highest among the groups gnomAD compares: Non-Finnish European, 0.00017%; no homozygotes.

Submission:

Labcorp Genetics (formerly Invitae), Labcorp
Classification: Uncertain significance for Severe combined immunodeficiency due to DNA-PKcs deficiency. Last evaluated: 2022-02-03. Review status: criteria provided, single submitter. Criteria: Invitae Variant Classification Sherloc (09022015). Collection method: clinical testing. Allele origin: germline.
Comment: This sequence change replaces arginine, which is basic and polar, with glycine, which is neutral and non-polar, at codon 1768 of the PRKDC protein (p.Arg1768Gly). This variant is not present in population databases (gnomAD no frequency). This variant has not been reported in the literature in individuals affected with PRKDC-related conditions. Experimental studies and prediction algorithms are not available or were not evaluated, and the functional significance of this variant is currently unknown. In summary, the available evidence is currently insufficient to determine the role of this variant in disease. Therefore, it has been classified as a Variant of Uncertain Significance.